The following is an entry in ClinVar:

ClinVar aggregate classification (germline): Uncertain significance (1 of 4 stars; one submission).

Conditions:
Cryopyrin associated periodic syndrome (CAPS). Identifiers: Orphanet 208650, MedGen C2316212, MONDO:0016168.

Submission:

Labcorp Genetics (formerly Invitae), Labcorp
Classification: Uncertain significance for Cryopyrin associated periodic syndrome. Last evaluated: 2022-10-04. Review status: criteria provided, single submitter. Criteria: Invitae Variant Classification Sherloc (09022015). Collection method: clinical testing. Allele origin: germline.
Comment: In summary, the available evidence is currently insufficient to determine the role of this variant in disease. Therefore, it has been classified as a Variant of Uncertain Significance. Advanced modeling of protein sequence and biophysical properties (such as structural, functional, and spatial information, amino acid conservation, physicochemical variation, residue mobility, and thermodynamic stability) performed at Invitae indicates that this missense variant is not expected to disrupt NLRP3 protein function. This variant has not been reported in the literature in individuals affected with NLRP3-related conditions. This variant is not present in population databases (gnomAD no frequency). This sequence change replaces alanine, which is neutral and non-polar, with valine, which is neutral and non-polar, at codon 903 of the NLRP3 protein (p.Ala903Val).

NM_001243133.2(NLRP3):c.2702C>T (p.Ala901Val)

Gene: NLRP3 (NLR family pyrin domain containing 3; plus strand). Cytogenetic location: 1q44.
Variant type: single nucleotide variant.
Coding change: c.2702C>T on transcript NM_001243133.2 (MANE Select); coding-DNA position 2702, C replaced by T.
Protein change: p.Ala901Val; replaces alanine 901 with valine.
Molecular consequence: missense variant.
Genome position (GRCh38, 1-based): chr1:247,444,010, C>T. VCF-style: chr1-247444010-C-T. GRCh37 (hg19) VCF-style: chr1-247607312-C-T.
Other names: c.2702C>T, p.Ala901Val (NM_001079821.3); c.2531C>T, p.Ala844Val (NM_001127461.3, NM_001127462.3); c.2708C>T, p.Ala903Val (NM_004895.5); c.2360C>T, p.Ala787Val (NM_183395.3); short protein forms A903V, A901V, A787V, A844V.
Identifiers: ClinVar variation 2088590 (VCV002088590.4), dbSNP rs1423219952, ClinGen allele CA345564884.
Genomic context (GRCh38, chr1:247,444,010, plus strand): 5'-TCTTCTCCCTGTCCTTCTACAGGTTGGTGAATTCTGGCCTTACGTCAGTCTGTTGTTCAG[C>T]TTTGTCCTCGGTACTCAGCACTAATCAGAATCTCACGCACCTTTACCTGCGAGGCAACAC-3'
Protein context (NP_001230062.1, residues 891-911): NSGLTSVCCS[Ala901Val]LSSVLSTNQN